The following is an entry in ClinVar:

NM_001330677.2(TBX15):c.167C>G (p.Thr56Arg)

Gene: TBX15 (T-box transcription factor 15; minus strand). Cytogenetic location: 1p12.
Variant type: single nucleotide variant.
Coding change: c.167C>G on transcript NM_001330677.2 (MANE Select); coding-DNA position 167, C replaced by G.
Protein change: p.Thr56Arg; replaces threonine 56 with arginine.
Molecular consequence: missense variant. On other transcripts: intron variant (1).
Genome position (GRCh38, 1-based): chr1:118,987,629, G>C on the plus strand (C>G on the coding strand, the complement: TBX15 is on the minus strand). VCF-style: chr1-118987629-G-C. GRCh37 (hg19) VCF-style: chr1-119530252-G-C.
Other names: c.-114+1726C>G (NM_152380.3); short protein forms T56R.
Identifiers: ClinVar variation 3040576 (VCV003040576.3), dbSNP rs541031973, ClinGen allele CA1035136.

ClinVar aggregate classification (germline): Likely benign. Review status: criteria provided, single submitter (1 of 4 stars). 2 submissions from 2 submitters: Likely benign (1). 1 of the submissions does not count toward it. Last evaluated 2024-10-21.

Conditions:
TBX15-related disorder. Also called: TBX15-related condition.

Allele frequency attached by ClinVar (database versions not stated): 1000 Genomes Project 0.00040; 1000 Genomes Project 30x 0.00078; ExAC 0.00091; TOPMed 0.00137; gnomAD 0.00147; gnomAD exomes 0.00198.
gnomAD v4.1: 2,951 of 1,549,740 alleles (0.19%); highest among the groups gnomAD compares: Non-Finnish European, 0.23%; 4 homozygotes.

Submissions (2):

Blueprint Genetics
Classification: Likely benign. Last evaluated: 2024-10-21. Review status: criteria provided, single submitter. Criteria: ACMG Guidelines, 2015. Collection method: clinical testing. Allele origin: germline.

PreventionGenetics, part of Exact Sciences
Classification: Likely benign for TBX15-related condition. Last evaluated: 2020-02-05. Review status: no assertion criteria provided. Collection method: clinical testing. Allele origin: germline. Not counted in ClinVar's aggregate classification.
Comment: This variant is classified as likely benign based on ACMG/AMP sequence variant interpretation guidelines (Richards et al. 2015 PMID: 25741868, with internal and published modifications).